The following is an entry in ClinVar:

NM_000152.5(GAA):c.2602C>G (p.Leu868Val)

Gene: GAA (alpha glucosidase; plus strand). Cytogenetic location: 17q25.3.
Variant type: single nucleotide variant.
Coding change: c.2602C>G on transcript NM_000152.5 (MANE Select); coding-DNA position 2602, C replaced by G.
Protein change: p.Leu868Val; replaces leucine 868 with valine.
Molecular consequence: missense variant.
Genome position (GRCh38, 1-based): chr17:80,118,313, C>G. VCF-style: chr17-80118313-C-G. GRCh37 (hg19) VCF-style: chr17-78092112-C-G.
Other names: c.2602C>G, p.Leu868Val (NM_001079803.3, NM_001079804.3, NM_001406741.1 and 1 more transcripts); short protein forms L868V.
Identifiers: ClinVar variation 1793694 (VCV001793694.3), dbSNP rs2039405334, ClinGen allele CA401326335.

ClinVar aggregate classification (germline): Uncertain significance (1 of 4 stars; one submission).

Conditions:
Cardiovascular phenotype. Identifiers: MedGen CN230736.

Allele frequency attached by ClinVar (database versions not stated): gnomAD 0.00002.
gnomAD v4.1: 3 of 1,586,196 alleles (0.00019%); highest among the groups gnomAD compares: African/African-American, 0.0027%; no homozygotes.

Submission:

Ambry Genetics
Classification: Uncertain significance for Cardiovascular phenotype. Last evaluated: 2025-08-03. Review status: criteria provided, single submitter. Criteria: Ambry Variant Classification Scheme 2023. Collection method: clinical testing. Allele origin: germline.
Comment: The p.L868V variant (also known as c.2602C>G), located in coding exon 17 of the GAA gene, results from a C to G substitution at nucleotide position 2602. The leucine at codon 868 is replaced by valine, an amino acid with highly similar properties. This amino acid position is conserved. In addition, this alteration is predicted to be tolerated by in silico analysis. Since supporting evidence is limited at this time, the clinical significance of this alteration remains unclear.